The following is an entry in ClinVar:

ClinVar aggregate classification (germline): Uncertain significance. Review status: criteria provided, multiple submitters, no conflicts (2 of 4 stars). 4 submissions from 4 submitters: Uncertain significance (4). Last evaluated 2026-02-03.

Conditions:
LAMA2-related muscular dystrophy (LAMA2-RD). Also called: Laminin alpha 2-related dystrophy. Identifiers: MedGen C5679788, MONDO:0100228.

Allele frequency attached by ClinVar (database versions not stated): gnomAD exomes below 0.00001; ExAC 0.00001; TOPMed 0.00001; ESP Exome Variant Server 0.00008.

Submissions (4):

GeneDx
Classification: Uncertain significance. Last evaluated: 2026-02-03. Review status: criteria provided, single submitter. Criteria: GeneDx Variant Classification Process June 2021. Collection method: clinical testing. Allele origin: germline.
Comment: Not observed at significant frequency in large population cohorts (gnomAD); In silico analysis supports that this missense variant has a deleterious effect on protein structure/function; Has not been previously published as pathogenic or benign to our knowledge

Labcorp Genetics (formerly Invitae), Labcorp
Classification: Uncertain significance for LAMA2-related muscular dystrophy. Last evaluated: 2021-08-31. Review status: criteria provided, single submitter. Criteria: Invitae Variant Classification Sherloc (09022015). Collection method: clinical testing. Allele origin: germline.
Comment: This sequence change replaces cysteine with tyrosine at codon 1106 of the LAMA2 protein (p.Cys1106Tyr). The cysteine residue is highly conserved and there is a large physicochemical difference between cysteine and tyrosine. This variant is present in population databases (rs371548755, ExAC 0.001%). This variant has not been reported in the literature in individuals affected with LAMA2-related conditions. ClinVar contains an entry for this variant (Variation ID: 586116). Algorithms developed to predict the effect of missense changes on protein structure and function are either unavailable or do not agree on the potential impact of this missense change (SIFT: "Deleterious"; PolyPhen-2: "Probably Damaging"; Align-GVGD: "Class C0"). In summary, the available evidence is currently insufficient to determine the role of this variant in disease. Therefore, it has been classified as a Variant of Uncertain Significance.

Blueprint Genetics
Classification: Uncertain significance. Last evaluated: 2020-02-06. Review status: criteria provided, single submitter. Criteria: ACMG Guidelines, 2015. Collection method: clinical testing. Allele origin: germline.

Athena Diagnostics
Classification: Uncertain significance. Last evaluated: 2017-11-06. Review status: criteria provided, single submitter. Criteria: Athena Diagnostics Criteria. Collection method: clinical testing. Allele origin: germline.

NM_000426.4(LAMA2):c.3317G>A (p.Cys1106Tyr)

Gene: LAMA2 (laminin subunit alpha 2; plus strand). Cytogenetic location: 6q22.33.
Variant type: single nucleotide variant.
Coding change: c.3317G>A on transcript NM_000426.4 (MANE Select); coding-DNA position 3317, G replaced by A.
Protein change: p.Cys1106Tyr; replaces cysteine 1106 with tyrosine.
Molecular consequence: missense variant.
Genome position (GRCh38, 1-based): chr6:129,313,003, G>A. VCF-style: chr6-129313003-G-A. GRCh37 (hg19) VCF-style: chr6-129634148-G-A.
Other names: c.3317G>A, p.Cys1106Tyr (NM_001079823.2); short protein forms C1106Y.
Identifiers: ClinVar variation 586116 (VCV000586116.9), dbSNP rs371548755, ClinGen allele CA3993234.